The following is an entry in ClinVar:

NM_003718.5(CDK13):c.1768A>G (p.Ser590Gly)

Gene: CDK13 (cyclin dependent kinase 13; plus strand). Cytogenetic location: 7p14.1.
Variant type: single nucleotide variant.
Coding change: c.1768A>G on transcript NM_003718.5 (MANE Select); coding-DNA position 1768, A replaced by G.
Protein change: p.Ser590Gly; replaces serine 590 with glycine.
Molecular consequence: missense variant.
Genome position (GRCh38, 1-based): chr7:39,988,155, A>G. VCF-style: chr7-39988155-A-G. GRCh37 (hg19) VCF-style: chr7-40027754-A-G.
Other names: c.1768A>G, p.Ser590Gly (NM_031267.4); short protein forms S590G.
Identifiers: ClinVar variation 1805945 (VCV001805945.1), dbSNP rs1784380923, ClinGen allele CA367284614.
Genomic context (GRCh38, chr7:39,988,155, plus strand): 5'-TCTGCTGCTACAAAGGAGGAATCAGTATCTCTTAAAGAGAAAACCAAACCACTTACACCA[A>G]GCATAGGAGCCAAGGAGAAGGAGCAACATGTAGCTTTAGTCACCTCTACATTACCACCGT-3'
Protein context (NP_003709.3, residues 580-600): LKEKTKPLTP[Ser590Gly]IGAKEKEQHV

ClinVar aggregate classification (germline): Uncertain significance (1 of 4 stars; one submission).

Conditions:
Congenital heart defects, dysmorphic facial features, and intellectual developmental disorder (CHDFIDD). Identifiers: Orphanet 646278, MedGen C4479246, MONDO:0044302, OMIM 617360.

Allele frequency attached by ClinVar (database versions not stated): gnomAD exomes 0.00001.
gnomAD v4.1: 20 of 1,614,146 alleles (0.0012%); highest among the groups gnomAD compares: Non-Finnish European, 0.0016%; no homozygotes.

Submission:

Victorian Clinical Genetics Services, Murdoch Childrens Research Institute
Classification: Uncertain significance for Congenital heart defects, dysmorphic facial features, and intellectual developmental disorder. Last evaluated: 2022-09-02. Review status: criteria provided, single submitter. Criteria: ACMG Guidelines, 2015. Collection method: clinical testing. Allele origin: germline. Inheritance: Autosomal dominant inheritance. Affected: yes.
Comment: Based on the classification scheme VCGS_Germline_v1.3.4, this variant is classified as VUS-3B. Following criteria are met: 0105 - The mechanism of disease for this gene is not clearly established. Both dominant negative and haploinsufficiency have been suggested mechanisms of disease (PMID: 28807008). (I) 0107 - This gene is associated with autosomal dominant disease. (I) 0200 - Variant is predicted to result in a missense amino acid change from serine to glycine. (I) 0251 - This variant is heterozygous. (I) 0301 - Variant is absent from gnomAD (both v2 and v3). (SP) 0309 - An alternative amino acid change at the same position has been observed in gnomAD (v3: 1 heterozygote, 0 homozygotes). (I) 0502 - Missense variant with conflicting in silico predictions and uninformative conservation. (I) 0604 - Variant is not located in an established domain, motif, hotspot or informative constraint region. (I) 0705 - No comparable missense variants have previous evidence for pathogenicity. (I) 0807 - This variant has no previous evidence of pathogenicity. (I) 0905 - No published segregation evidence has been identified for this variant. (I) 1007 - No published functional evidence has been identified for this variant. (I) 1208 - Inheritance information for this variant is not currently available in this individual. (I) Legend: (SP) - Supporting pathogenic, (I) - Information, (SB) - Supporting benign

Literature cited by the submitters: PubMed 28807008.